The following is an entry in ClinVar:

NM_018100.4(EFHC1):c.1459C>T (p.Pro487Ser)

Gene: EFHC1 (EF-hand domain containing 1; plus strand). Cytogenetic location: 6p12.2.
Variant type: single nucleotide variant.
Coding change: c.1459C>T on transcript NM_018100.4 (MANE Select); coding-DNA position 1459, C replaced by T.
Protein change: p.Pro487Ser; replaces proline 487 with serine.
Molecular consequence: missense variant. On other transcripts: non-coding transcript variant (1).
Genome position (GRCh38, 1-based): chr6:52,479,217, C>T. VCF-style: chr6-52479217-C-T. GRCh37 (hg19) VCF-style: chr6-52344015-C-T.
Other names: c.1402C>T, p.Pro468Ser (NM_001172420.2); short protein forms P468S, P487S.
Identifiers: ClinVar variation 967629 (VCV000967629.13), dbSNP rs775601315, ClinGen allele CA3856088.

ClinVar aggregate classification (germline): Uncertain significance. Review status: criteria provided, multiple submitters, no conflicts (2 of 4 stars). 3 submissions from 3 submitters: Uncertain significance (3). Last evaluated 2025-02-11.

Conditions:
Absence seizure. Also called: Absence epilepsy. Identifiers: Orphanet 1941, MedGen C0014553.
Myoclonic epilepsy, juvenile, susceptibility to, 1. Also called: Myoclonic Epilepsy, Juvenile, 1; EJM1. Identifiers: MedGen C1850778, MONDO:0020752, OMIM 254770.

Allele frequency attached by ClinVar (database versions not stated): ExAC 0.00001; gnomAD 0.00004 and 0.00005; gnomAD exomes 0.00004 and 0.00007; TOPMed 0.00005.
gnomAD v4.1: 106 of 1,613,928 alleles (0.0066%); highest among the groups gnomAD compares: Non-Finnish European, 0.0086%; no homozygotes.

Submissions (3):

Ambry Genetics
Classification: Uncertain significance. Last evaluated: 2025-02-11. Review status: criteria provided, single submitter. Criteria: Ambry Variant Classification Scheme 2023. Collection method: clinical testing. Allele origin: germline.

Blueprint Genetics
Classification: Uncertain significance. Last evaluated: 2024-10-24. Review status: criteria provided, single submitter. Criteria: ACMG Guidelines, 2015. Collection method: clinical testing. Allele origin: germline.

Labcorp Genetics (formerly Invitae), Labcorp
Classification: Uncertain significance for Myoclonic epilepsy, juvenile, susceptibility to, 1; Absence seizure. Last evaluated: 2022-06-13. Review status: criteria provided, single submitter. Criteria: Invitae Variant Classification Sherloc (09022015). Collection method: clinical testing. Allele origin: germline.
Comment: ClinVar contains an entry for this variant (Variation ID: 967629). In summary, the available evidence is currently insufficient to determine the role of this variant in disease. Therefore, it has been classified as a Variant of Uncertain Significance. Algorithms developed to predict the effect of missense changes on protein structure and function are either unavailable or do not agree on the potential impact of this missense change (SIFT: "Deleterious"; PolyPhen-2: "Probably Damaging"; Align-GVGD: "Class C0"). This missense change has been observed in at least one individual who was not affected with EFHC1-related conditions (Invitae). This missense change has been observed in individual(s) with early-onset epilepsy (Invitae). This variant is present in population databases (rs775601315, gnomAD 0.02%). This sequence change replaces proline, which is neutral and non-polar, with serine, which is neutral and polar, at codon 487 of the EFHC1 protein (p.Pro487Ser).